The following is an entry in ClinVar:

NM_001761.3(CCNF):c.248C>T (p.Pro83Leu)

Gene: CCNF (cyclin F; plus strand). Cytogenetic location: 16p13.3.
Variant type: single nucleotide variant.
Coding change: c.248C>T on transcript NM_001761.3 (MANE Select); coding-DNA position 248, C replaced by T.
Protein change: p.Pro83Leu; replaces proline 83 with leucine.
Molecular consequence: missense variant. On other transcripts: intron variant (1).
Genome position (GRCh38, 1-based): chr16:2,433,037, C>T. VCF-style: chr16-2433037-C-T. GRCh37 (hg19) VCF-style: chr16-2483038-C-T.
Other names: c.-647+1753C>T (NM_001323538.2); short protein forms P83L.
Identifiers: ClinVar variation 3363223 (VCV003363223.1).

ClinVar aggregate classification (germline): Uncertain significance (1 of 4 stars; one submission).

gnomAD v4.1: 7 of 1,610,748 alleles (0.00043%); highest among the groups gnomAD compares: East Asian, 0.0022%; no homozygotes.

Submission:

GeneDx
Classification: Uncertain significance. Last evaluated: 2023-11-05. Review status: criteria provided, single submitter. Criteria: GeneDx Variant Classification Process June 2021. Collection method: clinical testing. Allele origin: germline. Affected: yes.
Comment: Not observed at significant frequency in large population cohorts (gnomAD); In silico analysis supports that this missense variant has a deleterious effect on protein structure/function; Has not been previously published as pathogenic or benign to our knowledge